The following is an entry in ClinVar:

NM_031471.6(FERMT3):c.984C>A (p.Ser328Arg)

Gene: FERMT3 (FERM domain containing kindlin 3; plus strand). Cytogenetic location: 11q13.1.
Variant type: single nucleotide variant.
Coding change: c.984C>A on transcript NM_031471.6 (MANE Select); coding-DNA position 984, C replaced by A.
Protein change: p.Ser328Arg; replaces serine 328 with arginine.
Molecular consequence: missense variant.
Genome position (GRCh38, 1-based): chr11:64,219,613, C>A. VCF-style: chr11-64219613-C-A. GRCh37 (hg19) VCF-style: chr11-63987085-C-A.
Other names: c.984C>A, p.Ser328Arg (NM_001382361.1, NM_001382362.1, NM_001382448.1 and 1 more transcripts); c.444C>A, p.Ser148Arg (NM_001382363.1, NM_001382364.1); short protein forms S148R, S328R.
Identifiers: ClinVar variation 1923613 (VCV001923613.5), dbSNP rs1370150660, ClinGen allele CA381085430.

ClinVar aggregate classification (germline): Uncertain significance (1 of 4 stars; one submission).

Conditions:
Leukocyte adhesion deficiency 3. Also called: INTEGRIN ACTIVATION DEFICIENCY DISEASE; LEUKOCYTE ADHESION DEFICIENCY 1 VARIANT; Leukocyte adhesion deficiency, type III. Identifiers: Orphanet 2968, Orphanet 99844, MedGen C2748536, MONDO:0013016, OMIM 612840.

Allele frequency attached by ClinVar (database versions not stated): gnomAD exomes below 0.00001; gnomAD 0.00001.
gnomAD v4.1: 2 of 1,612,992 alleles (0.00012%); highest among the groups gnomAD compares: Non-Finnish European, 0.00017%; no homozygotes.

Submission:

Labcorp Genetics (formerly Invitae), Labcorp
Classification: Uncertain significance for Leukocyte adhesion deficiency 3. Last evaluated: 2022-07-11. Review status: criteria provided, single submitter. Criteria: Invitae Variant Classification Sherloc (09022015). Collection method: clinical testing. Allele origin: germline.
Comment: In summary, the available evidence is currently insufficient to determine the role of this variant in disease. Therefore, it has been classified as a Variant of Uncertain Significance. Algorithms developed to predict the effect of missense changes on protein structure and function (SIFT, PolyPhen-2, Align-GVGD) all suggest that this variant is likely to be tolerated. This sequence change replaces serine, which is neutral and polar, with arginine, which is basic and polar, at codon 328 of the FERMT3 protein (p.Ser328Arg). This variant is not present in population databases (gnomAD no frequency). This variant has not been reported in the literature in individuals affected with FERMT3-related conditions.